The following is an entry in ClinVar:

NM_000384.3(APOB):c.2804T>G (p.Leu935Arg)

Gene: APOB (apolipoprotein B; minus strand). Cytogenetic location: 2p24.1.
Variant type: single nucleotide variant.
Coding change: c.2804T>G on transcript NM_000384.3 (MANE Select); coding-DNA position 2804, T replaced by G.
Protein change: p.Leu935Arg; replaces leucine 935 with arginine.
Molecular consequence: missense variant.
Genome position (GRCh38, 1-based): chr2:21,022,843, A>C on the plus strand (T>G on the coding strand, the complement: APOB is on the minus strand). VCF-style: chr2-21022843-A-C. GRCh37 (hg19) VCF-style: chr2-21245715-A-C.
Other names: short protein forms L935R.
Identifiers: ClinVar variation 4088052 (VCV004088052.1).
Genomic context (GRCh38, chr2:21,022,843, plus strand): 5'-CTGTTCTCTCTTTCAAACTGGCTAGGCAGACTTGGCTGAAAGAATTACCCTCCACTGAGC[A>C]GCTTGACTGGTCTCTTTGGGGAAGGAATGATAAACTTCAGCTTCCCAGCTTTTAGGGCAA-3'
Protein context (NP_000375.3, residues 925-945): IIPSPKRPVK[Leu935Arg]LSGGNTLHLV

ClinVar aggregate classification (germline): Uncertain significance (1 of 4 stars; one submission).

gnomAD v4.1: 3 of 1,614,214 alleles (0.00019%); highest among the groups gnomAD compares: Non-Finnish European, 0.00025%; no homozygotes.

Submission:

GeneDx
Classification: Uncertain significance. Last evaluated: 2025-03-29. Review status: criteria provided, single submitter. Criteria: GeneDx Variant Classification Process June 2021. Collection method: clinical testing. Allele origin: germline. Affected: yes.
Comment: Not observed at significant frequency in large population cohorts (gnomAD); In silico analysis supports that this missense variant has a deleterious effect on protein structure/function; Has not been previously published as pathogenic or benign to our knowledge; Also known as p.(L908R)